The following is an entry in ClinVar:

ClinVar aggregate classification (germline): Pathogenic. Review status: criteria provided, multiple submitters, no conflicts (2 of 4 stars). 7 submissions from 7 submitters: Pathogenic (5). 2 of the submissions do not count toward it. Last evaluated 2025-09-10.

Conditions:
PQBP1-related disorder. Also called: PQBP1-related condition.
Renpenning syndrome. Also called: MENTAL RETARDATION, X-LINKED 55; MENTAL RETARDATION, X-LINKED, SYNDROMIC 8; SUTHERLAND-HAAN X-LINKED MENTAL RETARDATION SYNDROME; GOLABI-ITO-HALL SYNDROME; Mental retardation, X-linked Renpenning type; X-linked mental retardation with spastic diplegia. Identifiers: Orphanet 3242, MedGen C0796135, MONDO:0010653, OMIM 309500.

Submissions (7):

GeneDx
Classification: Pathogenic. Last evaluated: 2025-09-10. Review status: criteria provided, single submitter. Criteria: GeneDx Variant Classification Process June 2021. Collection method: clinical testing. Allele origin: germline. Affected: yes.
Comment: Frameshift variant predicted to result in protein truncation or nonsense mediated decay in a gene for which loss of function is a known mechanism of disease; Not observed at significant frequency in large population cohorts (gnomAD); This variant is associated with the following publications: (PMID: 28073926, 24781215, 14634649, 3177467)

3billion
Classification: Pathogenic for Renpenning syndrome. Last evaluated: 2025-02-24. Review status: criteria provided, single submitter. Criteria: ACMG Guidelines, 2015. Collection method: clinical testing. Allele origin: germline. Affected: yes.
Comment: The variant is observed at an extremely low frequency in the gnomAD v4.1.0 dataset (total allele frequency: <0.001%). Predicted Consequence/Location: Frameshift: predicted to result in a loss or disruption of normal protein function through nonsense-mediated decay (NMD) or protein truncation. Multiple pathogenic variants are reported downstream of the variant. The variant has been reported at least twice as pathogenic with clinical assertions and evidence for the classification (ClinVar ID: VCV000010979 /PMID: 14634649 /3billion dataset). Therefore, this variant is classified as Pathogenic according to the recommendation of ACMG/AMP guideline.

Centre de Biologie Pathologie Génétique, Centre Hospitalier Universitaire de Lille
Classification: Pathogenic for Renpenning syndrome. Review status: criteria provided, single submitter. Criteria: ACMG Guidelines, 2015. Collection method: clinical testing. Allele origin: de novo. Affected: yes.

Greenwood Genetic Center Diagnostic Laboratories, Greenwood Genetic Center
Classification: Pathogenic for Renpenning syndrome. Review status: criteria provided, single submitter. Criteria: ACMG Guidelines, 2015. Collection method: research. Allele origin: germline. Affected: yes.

Molecular Genetics Lab, CHRU Brest
Classification: Pathogenic for Renpenning syndrome. Review status: criteria provided, single submitter. Criteria: ACMG Guidelines, 2015. Collection method: clinical testing. Allele origin: maternal. Affected: yes.

PreventionGenetics, part of Exact Sciences
Classification: Pathogenic for PQBP1-related condition. Last evaluated: 2024-09-11. Review status: no assertion criteria provided. Collection method: clinical testing. Allele origin: germline. Not counted in ClinVar's aggregate classification.
Comment: The PQBP1 c.461_462dupAG variant is predicted to result in a frameshift and premature protein termination (p.Arg155Serfs*41). This variant has been reported to segregate with disease in two families with X-linked intellectual disability (families with AG duplication in Kalscheuer et al. 2003. PubMed ID: 14634649). In vitro experimental studies indicate this variant impacts protein function (reported as c.463_464dupAG in Mizuguchi et al. 2014. PubMed ID: 24781215 and Zhang et al. 2017. PubMed ID: 28073926). This variant is reported in 0.0014% of alleles in individuals of European (Non-Finnish) descent in gnomAD. Frameshift variants in PQBP1 are expected to be pathogenic. This variant is interpreted as pathogenic.

OMIM
Classification: Pathogenic for RENPENNING SYNDROME. Last evaluated: 2003-12-01. Review status: no assertion criteria provided. Collection method: literature only. Allele origin: germline. Not counted in ClinVar's aggregate classification.

Literature cited by the submitters: PubMed 14634649 (cited by 3billion and OMIM); PubMed 3177467 (cited by OMIM).

NM_001032382.2(PQBP1):c.461_462dup (p.Arg155fs)

Gene: PQBP1 (polyglutamine binding protein 1; plus strand). Cytogenetic location: Xp11.23.
Variant type: Microsatellite.
Coding change: c.461_462dup on transcript NM_001032382.2 (MANE Select); coding-DNA positions 461 to 462, 2 bases duplicated (AG; older notation c.461_462dupAG).
Protein change: p.Arg155fs; shifts the reading frame from arginine 155.
Molecular consequence: frameshift variant. On other transcripts: intron variant (2).
Genome position (GRCh38, 1-based): chrX:48,902,401-48,902,402, AG duplicated; duplicating any 2 consecutive bases within chrX:48,902,391-48,902,402 gives the same sequence; the c. name uses the placement nearest the transcript's 3' end. VCF-style (leftmost placement, unchanged base first): chrX-48902390-C-CAG. GRCh37 (hg19) VCF-style: chrX-48759667-C-CAG.
Other names: c.461_462dup (NM_001032383.1, NM_001032382.1); c.461_462dup, p.Arg155fs (NM_001032381.2, NM_001032383.2, NM_001032384.1 and 2 more transcripts); c.437_438dup, p.Arg147fs (NM_001167990.2); c.293-341AG[7] (NM_144495.3); c.202-51AG[7] (NM_001167992.1); c.461_462dupAG (NM_005710.2); short protein forms R147fs, R155fs.
Identifiers: ClinVar variation 10979 (VCV000010979.11), dbSNP rs606231193, ClinGen allele CA121282.